The following is an entry in ClinVar:

NM_000073.3(CD3G):c.529A>G (p.Asn177Asp)

Gene: CD3G (CD3 gamma subunit of T-cell receptor complex; plus strand). Cytogenetic location: 11q23.3.
Variant type: single nucleotide variant.
Coding change: c.529A>G on transcript NM_000073.3 (MANE Select); coding-DNA position 529, A replaced by G.
Protein change: p.Asn177Asp; replaces asparagine 177 with aspartic acid.
Molecular consequence: missense variant.
Genome position (GRCh38, 1-based): chr11:118,352,449, A>G. VCF-style: chr11-118352449-A-G. GRCh37 (hg19) VCF-style: chr11-118223164-A-G.
Other names: short protein forms N177D.
Identifiers: ClinVar variation 1399463 (VCV001399463.7), dbSNP rs2134072775, ClinGen allele CA382794690.

ClinVar aggregate classification (germline): Uncertain significance (1 of 4 stars; one submission).

Conditions:
Combined immunodeficiency due to CD3gamma deficiency. Also called: Immunodeficiency 17, CD3 gamma deficient; CD3-GAMMA DEFICIENCY; SCID-LIKE IMMUNODEFICIENCY, T CELL-PARTIAL, B CELL-POSITIVE, NK CELL-POSITIVE; Immunodeficiency 17. Identifiers: Orphanet 169082, MedGen C3810107, MONDO:0014276, OMIM 615607.

Allele frequency attached by ClinVar (database versions not stated): gnomAD exomes below 0.00001.
gnomAD v4.1: 1 of 1,614,086 alleles (0.000062%); highest among the groups gnomAD compares: Non-Finnish European, 0.000085%; no homozygotes.

Submission:

Labcorp Genetics (formerly Invitae), Labcorp
Classification: Uncertain significance for Combined immunodeficiency due to CD3gamma deficiency. Last evaluated: 2021-06-05. Review status: criteria provided, single submitter. Criteria: Invitae Variant Classification Sherloc (09022015). Collection method: clinical testing. Allele origin: germline.
Comment: This sequence change replaces asparagine with aspartic acid at codon 177 of the CD3G protein (p.Asn177Asp). The asparagine residue is moderately conserved and there is a small physicochemical difference between asparagine and aspartic acid. This variant is not present in population databases (ExAC no frequency). This variant has not been reported in the literature in individuals with CD3G-related conditions. Algorithms developed to predict the effect of missense changes on protein structure and function are either unavailable or do not agree on the potential impact of this missense change (SIFT: "Tolerated"; PolyPhen-2: "Possibly Damaging"; Align-GVGD: "Class C0"). In summary, the available evidence is currently insufficient to determine the role of this variant in disease. Therefore, it has been classified as a Variant of Uncertain Significance.